The following is an entry in ClinVar:

ClinVar aggregate classification (germline): Uncertain significance (1 of 4 stars; one submission).

Submission:

Labcorp Genetics (formerly Invitae), Labcorp
Classification: Uncertain significance. Last evaluated: 2023-08-04. Review status: criteria provided, single submitter. Criteria: Invitae Variant Classification Sherloc (09022015). Collection method: clinical testing. Allele origin: germline.
Comment: This sequence change replaces arginine, which is basic and polar, with glycine, which is neutral and non-polar, at codon 314 of the C1S protein (p.Arg314Gly). This variant is not present in population databases (gnomAD no frequency). This variant has not been reported in the literature in individuals affected with C1S-related conditions. Advanced modeling of protein sequence and biophysical properties (such as structural, functional, and spatial information, amino acid conservation, physicochemical variation, residue mobility, and thermodynamic stability) performed at Invitae indicates that this missense variant is not expected to disrupt C1S protein function. In summary, the available evidence is currently insufficient to determine the role of this variant in disease. Therefore, it has been classified as a Variant of Uncertain Significance.

NM_001734.5(C1S):c.940A>G (p.Arg314Gly)

Gene: C1S (complement C1s; plus strand). Cytogenetic location: 12p13.31.
Variant type: single nucleotide variant.
Coding change: c.940A>G on transcript NM_001734.5 (MANE Select); coding-DNA position 940, A replaced by G.
Protein change: p.Arg314Gly; replaces arginine 314 with glycine.
Molecular consequence: missense variant.
Genome position (GRCh38, 1-based): chr12:7,066,586, A>G. VCF-style: chr12-7066586-A-G. GRCh37 (hg19) VCF-style: chr12-7173890-A-G.
Other names: c.439A>G, p.Arg147Gly (NM_001346850.2); c.940A>G, p.Arg314Gly (NM_201442.4); short protein forms R314G, R147G.
Identifiers: ClinVar variation 2750132 (VCV002750132.3), dbSNP rs2539601487, ClinGen allele CA383698998.